The following is an entry in ClinVar:

ClinVar aggregate classification (germline): Uncertain significance (1 of 4 stars; one submission).

Submission:

GeneDx
Classification: Uncertain significance. Last evaluated: 2025-06-13. Review status: criteria provided, single submitter. Criteria: GeneDx Variant Classification Process June 2021. Collection method: clinical testing. Allele origin: germline. Affected: yes.
Comment: Frameshift variant predicted to result in protein truncation or nonsense mediated decay in a gene or region of a gene for which loss of function is not a well-established mechanism of disease; Not observed at significant frequency in large population cohorts (gnomAD); Has not been previously published as pathogenic or benign to our knowledge

NM_001130021.3(ATP6V0A1):c.812_814delinsG (p.Val271fs)

Gene: ATP6V0A1 (ATPase H+ transporting V0 subunit a1; plus strand). Cytogenetic location: 17q21.2.
Variant type: Indel.
Coding change: c.812_814delinsG on transcript NM_001130021.3 (MANE Select); coding-DNA positions 812 to 814, TTC replaced by G.
Protein change: p.Val271fs; shifts the reading frame from valine 271.
Molecular consequence: frameshift variant. On other transcripts: intron variant (2).
Genome position (GRCh38, 1-based): chr17:42,487,156-42,487,158, TTC replaced by G. VCF-style: chr17-42487156-TTC-G. GRCh37 (hg19) VCF-style: chr17-40639174-TTC-G.
Other names: c.833_835delinsG, p.Val278fs (NM_001130020.3, NM_001378522.1, NM_001378523.1 and 3 more transcripts); c.935_937delinsG, p.Val312fs (NM_001378530.1, NM_001378533.1, NM_001378551.1 and 1 more transcripts); c.956_958delinsG, p.Val319fs (NM_001378531.1, NM_001378532.1); c.812_814delinsG, p.Val271fs (NM_001378535.1, NM_001378537.1, NM_001378542.1 and 4 more transcripts); c.704_706delinsG, p.Val235fs (NM_001378536.1, NM_001378550.1, NM_001378556.1); c.683_685delinsG, p.Val228fs (NM_001378538.1, NM_001378540.1); c.653_655delinsG, p.Val218fs (NM_001378543.1); c.602_604delinsG, p.Val201fs (NM_001378545.1, NM_001378554.1); and 2 more; short protein forms V201fs, V211fs, V218fs, V228fs, V235fs, V271fs, V278fs, V312fs.
Identifiers: ClinVar variation 4537812 (VCV004537812.1).